The following is an entry in ClinVar:

ClinVar aggregate classification (germline): Uncertain significance (1 of 4 stars; one submission).

gnomAD v4.1: 1 of 1,587,690 alleles (0.000063%); highest among the groups gnomAD compares: Non-Finnish European, 0.000086%; no homozygotes.

Submission:

GeneDx
Classification: Uncertain significance. Last evaluated: 2024-08-30. Review status: criteria provided, single submitter. Criteria: GeneDx Variant Classification Process June 2021. Collection method: clinical testing. Allele origin: germline. Affected: yes.
Comment: Not observed at significant frequency in large population cohorts (gnomAD); In silico analysis indicates that this missense variant does not alter protein structure/function; Has not been previously published as pathogenic or benign to our knowledge

NM_001190274.2(FBXO11):c.1696A>G (p.Ile566Val)

Gene: FBXO11 (F-box protein 11; minus strand). Cytogenetic location: 2p16.3.
Variant type: single nucleotide variant.
Coding change: c.1696A>G on transcript NM_001190274.2 (MANE Select); coding-DNA position 1696, A replaced by G.
Protein change: p.Ile566Val; replaces isoleucine 566 with valine.
Molecular consequence: missense variant.
Genome position (GRCh38, 1-based): chr2:47,822,224, T>C on the plus strand (A>G on the coding strand, the complement: FBXO11 is on the minus strand). VCF-style: chr2-47822224-T-C. GRCh37 (hg19) VCF-style: chr2-48049363-T-C.
Other names: c.1444A>G, p.Ile482Val (NM_001374325.1, NM_025133.4); short protein forms I482V, I566V.
Identifiers: ClinVar variation 3766272 (VCV003766272.1).